The following is an entry in ClinVar:

ClinVar aggregate classification (germline): Benign (1 of 4 stars; one submission).

Allele frequency attached by ClinVar (database versions not stated): gnomAD 0.19821 and 0.20641; TOPMed 0.20558; 1000 Genomes Project 30x 0.30824; 1000 Genomes Project 0.31809.
gnomAD v4.1: 31,263 of 152,018 alleles (21%); highest among the groups gnomAD compares: East Asian, 57%; 3,892 homozygotes.

Submission:

GeneDx
Classification: Benign. Last evaluated: 2018-06-18. Review status: criteria provided, single submitter. Criteria: GeneDx Variant Classification (06012015). Collection method: clinical testing. Allele origin: germline. Affected: yes.
Comment: This variant is considered likely benign or benign based on one or more of the following criteria: it is a conservative change, it occurs at a poorly conserved position in the protein, it is predicted to be benign by multiple in silico algorithms, and/or has population frequency not consistent with disease.

NM_001005242.3(PKP2):c.2168-195A>G

Gene: PKP2 (plakophilin 2; minus strand). Cytogenetic location: 12p11.21.
Variant type: single nucleotide variant.
Coding change: c.2168-195A>G on transcript NM_001005242.3 (MANE Select); 195 bases into the intron before coding-DNA position 2168, A replaced by G.
Molecular consequence: intron variant.
Genome position (GRCh38, 1-based): chr12:32,796,493, T>C on the plus strand (A>G on the coding strand, the complement: PKP2 is on the minus strand). VCF-style: chr12-32796493-T-C. GRCh37 (hg19) VCF-style: chr12-32949427-T-C.
Other names: c.2300-195A>G (NM_004572.4).
Identifiers: ClinVar variation 672403 (VCV000672403.1), dbSNP rs7138758, ClinGen allele CA13585696.
Genomic context (GRCh38, chr12:32,796,493, plus strand): 5'-AGTGCAGTGGCACCATCTTGGCTCACTGCAAGCTCTGCCTCCCGGGTTCACGCCATTCTC[T>C]TGCCTCAGCCTCCCGAGTAGTTGGGACTACAGGCACCCGCCACCACGCCTGGCTAATTTT-3'